The following is an entry in ClinVar:

ClinVar aggregate classification (germline): Uncertain significance (1 of 4 stars; one submission).

Conditions:
Hereditary spastic paraplegia 39 (SPG39). Also called: Spastic Paraplegia Type 39 (SPG39); SPASTIC PARAPLEGIA 39, AUTOSOMAL RECESSIVE. Identifiers: Orphanet 139480, MedGen C2677586, MONDO:0012787, OMIM 612020.

Allele frequency attached by ClinVar (database versions not stated): gnomAD exomes 0.00001; TOPMed 0.00001; ExAC 0.00006.
gnomAD v4.1: 14 of 1,593,216 alleles (0.00088%); highest among the groups gnomAD compares: Admixed American, 0.022%; no homozygotes.

Submission:

Labcorp Genetics (formerly Invitae), Labcorp
Classification: Uncertain significance for Hereditary spastic paraplegia 39. Last evaluated: 2022-08-06. Review status: criteria provided, single submitter. Criteria: Invitae Variant Classification Sherloc (09022015). Collection method: clinical testing. Allele origin: germline.
Comment: In summary, the available evidence is currently insufficient to determine the role of this variant in disease. Therefore, it has been classified as a Variant of Uncertain Significance. Algorithms developed to predict the effect of missense changes on protein structure and function are either unavailable or do not agree on the potential impact of this missense change (SIFT: "Tolerated"; PolyPhen-2: "Possibly Damaging"; Align-GVGD: "Class C0"). This variant has not been reported in the literature in individuals affected with PNPLA6-related conditions. This variant is present in population databases (rs751002777, gnomAD 0.03%). This sequence change replaces arginine, which is basic and polar, with histidine, which is basic and polar, at codon 887 of the PNPLA6 protein (p.Arg887His).

NM_001166114.2(PNPLA6):c.2774G>A (p.Arg925His)

Gene: PNPLA6 (patatin like domain 6, lysophospholipase; plus strand). Cytogenetic location: 19p13.2.
Variant type: single nucleotide variant.
Coding change: c.2774G>A on transcript NM_001166114.2 (MANE Select); coding-DNA position 2774, G replaced by A.
Protein change: p.Arg925His; replaces arginine 925 with histidine.
Molecular consequence: missense variant.
Genome position (GRCh38, 1-based): chr19:7,555,032, G>A. VCF-style: chr19-7555032-G-A. GRCh37 (hg19) VCF-style: chr19-7619918-G-A.
Other names: c.2804G>A, p.Arg935His (NM_001166111.2); c.2579G>A, p.Arg860His (NM_001166112.2); c.2660G>A, p.Arg887His (NM_001166113.1, NM_006702.5); short protein forms R925H, R860H, R935H, R887H.
Identifiers: ClinVar variation 2142721 (VCV002142721.4), dbSNP rs751002777, ClinGen allele CA9140219.
Genomic context (GRCh38, chr19:7,555,032, plus strand): 5'-CCACGCGCACCGTGGAGTGGCTAAATATGCGCAGCTGGTGCTCGGGGCACCTGCACCTGC[G>A]CTGTCCGCGCCGCCTCTTTTCGCGCCGCAGCCCTGCCAAGCTGGTGAGGAGCGGGCCGGC-3'
Protein context (NP_001159586.1, residues 915-935): RSWCSGHLHL[Arg925His]CPRRLFSRRS